The following is an entry in ClinVar:

ClinVar aggregate classification (germline): Uncertain significance (1 of 4 stars; one submission).

Conditions:
PLXNA4-related disorder. Also called: PLXNA4-related condition.

gnomAD v4.1: 7 of 1,614,178 alleles (0.00043%); highest among the groups gnomAD compares: Non-Finnish European, 0.00059%; no homozygotes.

Submission:

PreventionGenetics, part of Exact Sciences
Classification: Uncertain significance for PLXNA4-related condition. Last evaluated: 2025-09-11. Review status: criteria provided, single submitter. Criteria: ACMG Guidelines, 2015. Collection method: clinical testing. Allele origin: germline.
Comment: The PLXNA4 c.956G>A variant is predicted to result in the amino acid substitution p.Gly319Glu. To our knowledge, this variant has not been reported in the literature or in a large population database (gnomAD), indicating this variant is rare. At this time, the clinical significance of this variant is uncertain due to the absence of conclusive functional and genetic evidence.

NM_020911.2(PLXNA4):c.956G>A (p.Gly319Glu)

Gene: PLXNA4 (plexin A4; minus strand). Cytogenetic location: 7q32.3.
Variant type: single nucleotide variant.
Coding change: c.956G>A on transcript NM_020911.2 (MANE Select); coding-DNA position 956, G replaced by A.
Protein change: p.Gly319Glu; replaces glycine 319 with glutamic acid.
Molecular consequence: missense variant.
Genome position (GRCh38, 1-based): chr7:132,507,738, C>T on the plus strand (G>A on the coding strand, the complement: PLXNA4 is on the minus strand). VCF-style: chr7-132507738-C-T. GRCh37 (hg19) VCF-style: chr7-132192497-C-T.
Other names: c.956G>A, p.Gly319Glu (NM_001105543.2, NM_001393897.1, NM_181775.4); short protein forms G319E.
Identifiers: ClinVar variation 4989257 (VCV004989257.1).